The following is an entry in ClinVar:

NM_001267550.2(TTN):c.3601A>G (p.Lys1201Glu)

Gene: TTN (titin; minus strand). Cytogenetic location: 2q31.2.
Variant type: single nucleotide variant.
Coding change: c.3601A>G on transcript NM_001267550.2 (MANE Select); coding-DNA position 3601, A replaced by G.
Protein change: p.Lys1201Glu; replaces lysine 1201 with glutamic acid.
Molecular consequence: missense variant.
Genome position (GRCh38, 1-based): chr2:178,780,128, T>C on the plus strand (A>G on the coding strand, the complement: TTN is on the minus strand). VCF-style: chr2-178780128-T-C. GRCh37 (hg19) VCF-style: chr2-179644855-T-C.
Other names: p.K1201E:AAA>GAA; c.3601A>G, p.Lys1201Glu (NM_001256850.1, NM_133378.4, NM_133379.5); c.3463A>G, p.Lys1155Glu (NM_003319.4, NM_133432.3, NM_133437.4); short protein forms K1201E, K1155E.
Identifiers: ClinVar variation 46973 (VCV000046973.40), dbSNP rs10497520, ClinGen allele CA283244.
Genomic context (GRCh38, chr2:178,780,128, plus strand): 5'-CTTTTTCATACTCTTTTTCATACTCAGAGTATACAAATCCAGGTGCTGTTTCTCCAACTT[T>C]AGGTTCTTGAACAAATGCAGTCACTTGTGTCTGATAAAGCATTTCTTGCTGGGACTTCAT-3'
Protein context (NP_001254479.2, residues 1191-1211): TQVTAFVQEP[Lys1201Glu]VGETAPGFVY

ClinVar aggregate classification (germline): Benign. Review status: criteria provided, multiple submitters, no conflicts (2 of 4 stars). 27 submissions from 20 submitters: Benign (23). 4 of the submissions do not count toward it. Last evaluated 2026-02-04.

Conditions:
Dilated cardiomyopathy 1G (CMD1G). Identifiers: Orphanet 154, MedGen C1858763, MONDO:0011400, OMIM 604145.
Autosomal recessive limb-girdle muscular dystrophy type 2J (LGMDR10). Also called: MUSCULAR DYSTROPHY, LIMB-GIRDLE, AUTOSOMAL RECESSIVE 10; Limb-girdle muscular dystrophy, type 2J. Identifiers: Orphanet 140922, MedGen C1837342, MONDO:0012127, OMIM 608807.
Cardiovascular phenotype. Identifiers: MedGen CN230736.
Early-onset myopathy with fatal cardiomyopathy (CMYO5). Also called: CONGENITAL MYOPATHY 5 WITH CARDIOMYOPATHY; Salih Myopathy. Identifiers: Orphanet 289377, MedGen C2673677, MONDO:0012714, OMIM 611705. Disease mechanism: loss of function.
Myopathy, myofibrillar, 9, with early respiratory failure (MFM9). Also called: Myopathy, distal, with early respiratory failure, autosomal dominant; Hereditary myopathy with early respiratory failure; MYOPATHY, PROXIMAL, WITH EARLY RESPIRATORY MUSCLE INVOLVEMENT; EDSTROM MYOPATHY. Identifiers: Orphanet 178464, Orphanet 34521, MedGen C1863599, MONDO:0011362, OMIM 603689.
Tibial muscular dystrophy (TMD). Also called: Udd Distal Myopathy – Tibial Muscular Dystrophy; Tibial muscular dystrophy, tardive; UDD MYOPATHY. Identifiers: Orphanet 609, MedGen C1838244, MONDO:0010870, OMIM 600334.

Allele frequency attached by ClinVar (database versions not stated): ExAC 0.69444; TOPMed 0.65738; gnomAD exomes 0.68649 and 0.80852; ESP Exome Variant Server 0.73489; 1000 Genomes Project 0.50020; 1000 Genomes Project 30x 0.50187; gnomAD 0.69988 and 0.69163.
gnomAD v4.1: 1,284,560 of 1,613,524 alleles (80%); highest among the groups gnomAD compares: Non-Finnish European, 87%; 533,853 homozygotes.

Submissions (27):

Labcorp Genetics (formerly Invitae), Labcorp
Classification: Benign for Dilated cardiomyopathy 1G; Autosomal recessive limb-girdle muscular dystrophy type 2J. Last evaluated: 2026-02-04. Review status: criteria provided, single submitter. Criteria: Invitae Variant Classification Sherloc (09022015). Collection method: clinical testing. Allele origin: germline.

Molecular Diagnostic Laboratory for Inherited Cardiovascular Disease, Montreal Heart Institute
Classification: Benign. Last evaluated: 2025-04-09. Review status: criteria provided, single submitter. Criteria: ACMG Guidelines, 2015. Collection method: clinical testing. Allele origin: germline. Affected: no.

Blueprint Genetics
Classification: Benign. Last evaluated: 2024-11-26. Review status: criteria provided, single submitter. Criteria: ACMG Guidelines, 2015. Collection method: clinical testing. Allele origin: germline.

Genome-Nilou Lab
Classification: Benign for Autosomal recessive limb-girdle muscular dystrophy type 2J. Last evaluated: 2021-09-10. Review status: criteria provided, single submitter. Criteria: ACMG Guidelines, 2015. Collection method: clinical testing. Allele origin: germline. Affected: no.

Genome-Nilou Lab
Classification: Benign for Myopathy, myofibrillar, 9, with early respiratory failure. Last evaluated: 2021-09-10. Review status: criteria provided, single submitter. Criteria: ACMG Guidelines, 2015. Collection method: clinical testing. Allele origin: germline. Affected: no.

Genome-Nilou Lab
Classification: Benign for Early-onset myopathy with fatal cardiomyopathy. Last evaluated: 2021-09-10. Review status: criteria provided, single submitter. Criteria: ACMG Guidelines, 2015. Collection method: clinical testing. Allele origin: germline. Affected: no.

Genome-Nilou Lab
Classification: Benign for Tibial muscular dystrophy. Last evaluated: 2021-09-10. Review status: criteria provided, single submitter. Criteria: ACMG Guidelines, 2015. Collection method: clinical testing. Allele origin: germline. Affected: no.

Women's Health and Genetics/Laboratory Corporation of America, LabCorp
Classification: Benign. Last evaluated: 2019-08-09. Review status: criteria provided, single submitter. Criteria: LabCorp Variant Classification Summary - May 2015. Collection method: clinical testing. Allele origin: germline.

Athena Diagnostics
Classification: Benign. Last evaluated: 2018-12-13. Review status: criteria provided, single submitter. Criteria: Athena Diagnostics Criteria. Collection method: clinical testing. Allele origin: germline.

Illumina Laboratory Services, Illumina
Classification: Benign for Early-onset myopathy with fatal cardiomyopathy. Last evaluated: 2018-01-12. Review status: criteria provided, single submitter. Criteria: ICSL Variant Classification Criteria 13 December 2019. Collection method: clinical testing. Allele origin: germline.
Comment: This variant was observed in the ICSL laboratory as part of a predisposition screen in an ostensibly healthy population. It had not been previously curated by ICSL or reported in the Human Gene Mutation Database (HGMD: prior to June 1st, 2018), and was therefore a candidate for classification through an automated scoring system. Utilizing variant allele frequency, disease prevalence and penetrance estimates, and inheritance mode, an automated score was calculated to assess if this variant is too frequent to cause the disease. Based on the score and internal cut-off values, a variant classified as benign is not then subjected to further curation. The score for this variant resulted in a classification of benign for this disease.

Illumina Laboratory Services, Illumina
Classification: Benign for Tibial muscular dystrophy. Last evaluated: 2018-01-12. Review status: criteria provided, single submitter. Criteria: ICSL Variant Classification Criteria 13 December 2019. Collection method: clinical testing. Allele origin: germline.
Comment: the same text as in the submission from Illumina Laboratory Services, Illumina above.

Illumina Laboratory Services, Illumina
Classification: Benign for Autosomal recessive limb-girdle muscular dystrophy type 2J. Last evaluated: 2018-01-12. Review status: criteria provided, single submitter. Criteria: ICSL Variant Classification Criteria 13 December 2019. Collection method: clinical testing. Allele origin: germline.
Comment: the same text as in the submission from Illumina Laboratory Services, Illumina above.

Illumina Laboratory Services, Illumina
Classification: Benign for Myopathy, myofibrillar, 9, with early respiratory failure. Last evaluated: 2018-01-12. Review status: criteria provided, single submitter. Criteria: ICSL Variant Classification Criteria 13 December 2019. Collection method: clinical testing. Allele origin: germline.
Comment: the same text as in the submission from Illumina Laboratory Services, Illumina above.

Illumina Laboratory Services, Illumina
Classification: Benign for Dilated cardiomyopathy 1G. Last evaluated: 2018-01-12. Review status: criteria provided, single submitter. Criteria: ICSL Variant Classification Criteria 13 December 2019. Collection method: clinical testing. Allele origin: germline.
Comment: the same text as in the submission from Illumina Laboratory Services, Illumina above.

Mayo Clinic Laboratories, Mayo Clinic
Classification: Benign. Last evaluated: 2017-07-21. Review status: criteria provided, single submitter. Criteria: ACMG Guidelines, 2015. Collection method: clinical testing. Allele origin: germline. Observed: 2,213 variant alleles.

Eurofins Ntd Llc (ga)
Classification: Benign. Last evaluated: 2015-05-15. Review status: criteria provided, single submitter. Criteria: EGL Classification Definitions 2015. Collection method: clinical testing. Allele origin: germline. Observed: 5 variant alleles, 2 heterozygotes, 3 homozygotes.

Genetic Services Laboratory, University of Chicago
Classification: Benign for AllHighlyPenetrant. Last evaluated: 2013-08-15. Review status: criteria provided, single submitter. Criteria: ACMG Guidelines, 2007. Collection method: clinical testing. Allele origin: germline.

Biesecker Lab/Clinical Genomics Section, National Institutes of Health
Classification: Benign. Last evaluated: 2013-06-24. Review status: criteria provided, single submitter. Criteria: Ng et al. (Circ Cardiovasc Genet. 2013). Collection method: research. Allele origin: unknown. Observed: 817 variant alleles. Study: ClinSeq.
Comment: The study set was not selected for affection status in relation to any cancer. Pathogenicity categories were based on literature curation. See Pubmed ID:23861362 for details.

Medical sequencing

GeneDx
Classification: Benign. Last evaluated: 2013-01-31. Review status: criteria provided, single submitter. Criteria: GeneDx Variant Classification (06012015). Collection method: clinical testing. Allele origin: germline. Affected: yes.
Comment: This variant is considered likely benign or benign based on one or more of the following criteria: it is a conservative change, it occurs at a poorly conserved position in the protein, it is predicted to be benign by multiple in silico algorithms, and/or has population frequency not consistent with disease.

Ambry Genetics
Classification: Benign for Cardiovascular phenotype. Last evaluated: 2012-07-11. Review status: criteria provided, single submitter. Criteria: Ambry Autosomal Dominant and X-Linked criteria (10/2015). Collection method: clinical testing. Allele origin: germline. Observed: 1 variant allele.

Laboratory for Molecular Medicine, Mass General Brigham Personalized Medicine
Classification: Benign. Last evaluated: 2011-09-16. Review status: criteria provided, single submitter. Criteria: LMM Criteria. Collection method: clinical testing. Allele origin: germline. Observed: 1,726 variant alleles.

Breakthrough Genomics
Classification: Benign. Review status: criteria provided, single submitter. Criteria: ACMG Guidelines, 2015. Collection method: not provided. Allele origin: germline. Inheritance: Autosomal recessive inheritance. Affected: yes.

PreventionGenetics, part of Exact Sciences
Classification: Benign. Review status: criteria provided, single submitter. Criteria: ACMG Guidelines, 2015. Collection method: clinical testing. Allele origin: germline.

Clinical Genetics DNA and cytogenetics Diagnostics Lab, Erasmus MC, Erasmus Medical Center
Classification: Benign. Review status: no assertion criteria provided. Collection method: clinical testing. Allele origin: germline. Affected: yes. Study: VKGL Data-share Consensus. Not counted in ClinVar's aggregate classification.

Clinical Genetics, Academic Medical Center
Classification: Benign. Review status: no assertion criteria provided. Collection method: clinical testing. Allele origin: germline. Affected: yes. Study: VKGL Data-share Consensus. Not counted in ClinVar's aggregate classification.

Diagnostic Laboratory, Department of Genetics, University Medical Center Groningen
Classification: Benign. Review status: no assertion criteria provided. Collection method: clinical testing. Allele origin: germline. Affected: yes. Study: VKGL Data-share Consensus. Not counted in ClinVar's aggregate classification.

Genome Diagnostics Laboratory, University Medical Center Utrecht
Classification: Benign. Review status: no assertion criteria provided. Collection method: clinical testing. Allele origin: germline. Affected: yes. Study: VKGL Data-share Consensus. Not counted in ClinVar's aggregate classification.